The following is an entry in ClinVar:

ClinVar aggregate classification (germline): Likely pathogenic (1 of 4 stars; one submission).

Allele frequency attached by ClinVar (database versions not stated): gnomAD exomes below 0.00001.
gnomAD v4.1: 2 of 1,612,612 alleles (0.00012%); highest among the groups gnomAD compares: Non-Finnish European, 0.00017%; no homozygotes.

Submission:

Labcorp Genetics (formerly Invitae), Labcorp
Classification: Likely pathogenic. Last evaluated: 2025-10-07. Review status: criteria provided, single submitter. Criteria: Invitae Variant Classification Sherloc (09022015). Collection method: clinical testing. Allele origin: germline.
Comment: This sequence change affects a donor splice site in intron 5 of the SMAD2 gene. It is expected to disrupt RNA splicing. Variants that disrupt the donor or acceptor splice site typically lead to a loss of protein function (PMID: 16199547), and loss-of-function variants in SMAD2 are known to be pathogenic (PMID: 30157302, 40028843). This variant is not present in population databases (gnomAD no frequency). This variant has not been reported in the literature in individuals affected with SMAD2-related conditions. ClinVar contains an entry for this variant (Variation ID: 2696102). Algorithms developed to predict the effect of sequence changes on RNA splicing suggest that this variant may disrupt the consensus splice site. In summary, the currently available evidence indicates that the variant is pathogenic, but additional data are needed to prove that conclusively. Therefore, this variant has been classified as Likely Pathogenic.

Literature cited by the submitters: PubMed 16199547; PubMed 30157302; PubMed 40028843.

NM_005901.6(SMAD2):c.655+1G>C

Gene: SMAD2 (SMAD family member 2; minus strand). Cytogenetic location: 18q21.1.
Variant type: single nucleotide variant.
Coding change: c.655+1G>C on transcript NM_005901.6 (MANE Select); the canonical splice donor site of the intron after coding-DNA position 655, G replaced by C.
Molecular consequence: splice donor variant.
Genome position (GRCh38, 1-based): chr18:47,868,322, C>G on the plus strand (G>C on the coding strand, the complement: SMAD2 is on the minus strand). VCF-style: chr18-47868322-C-G. GRCh37 (hg19) VCF-style: chr18-45394693-C-G.
Other names: c.565+1G>C (NM_001135937.3); c.655+1G>C (NM_001003652.4).
Identifiers: ClinVar variation 2696102 (VCV002696102.3), dbSNP rs2144372568, ClinGen allele CA402501498.